The following is an entry in ClinVar:

ClinVar aggregate classification (germline): Uncertain significance (1 of 4 stars; one submission).

Allele frequency attached by ClinVar (database versions not stated): ExAC 0.00002; TOPMed 0.00003; gnomAD 0.00005.
gnomAD v4.1: 40 of 1,613,888 alleles (0.0025%); highest among the groups gnomAD compares: South Asian, 0.018%; no homozygotes.

Submission:

Labcorp Genetics (formerly Invitae), Labcorp
Classification: Uncertain significance. Last evaluated: 2025-08-21. Review status: criteria provided, single submitter. Criteria: Invitae Variant Classification Sherloc (09022015). Collection method: clinical testing. Allele origin: germline.
Comment: This sequence change replaces arginine, which is basic and polar, with glutamine, which is neutral and polar, at codon 314 of the MCM4 protein (p.Arg314Gln). This variant is present in population databases (rs763431187, gnomAD 0.02%). This variant has not been reported in the literature in individuals affected with MCM4-related conditions. ClinVar contains an entry for this variant (Variation ID: 1900358). Invitae Evidence Modeling of protein sequence and biophysical properties (such as structural, functional, and spatial information, amino acid conservation, physicochemical variation, residue mobility, and thermodynamic stability) indicates that this missense variant is not expected to disrupt MCM4 protein function with a negative predictive value of 80%. In summary, the available evidence is currently insufficient to determine the role of this variant in disease. Therefore, it has been classified as a Variant of Uncertain Significance.

NM_182746.3(MCM4):c.941G>A (p.Arg314Gln)

Gene: MCM4 (minichromosome maintenance complex component 4; plus strand). Cytogenetic location: 8q11.21.
Variant type: single nucleotide variant.
Coding change: c.941G>A on transcript NM_182746.3 (MANE Select); coding-DNA position 941, G replaced by A.
Protein change: p.Arg314Gln; replaces arginine 314 with glutamine.
Molecular consequence: missense variant.
Genome position (GRCh38, 1-based): chr8:47,966,295, G>A. VCF-style: chr8-47966295-G-A. GRCh37 (hg19) VCF-style: chr8-48878855-G-A.
Other names: c.941G>A, p.Arg314Gln (NM_005914.4); short protein forms R314Q.
Identifiers: ClinVar variation 1900358 (VCV001900358.3), dbSNP rs763431187, ClinGen allele CA4742467.